The following is an entry in ClinVar:

ClinVar aggregate classification (germline): Conflicting classifications of pathogenicity. Review status: criteria provided, conflicting classifications (1 of 4 stars). 8 submissions from 8 submitters: Uncertain significance (6); Likely benign (1). 1 of the submissions does not count toward it. Last evaluated 2026-07-01.

Conditions:
Hereditary nonpolyposis colorectal neoplasms. Identifiers: MedGen C0009405, MeSH D003123.
Hereditary cancer-predisposing syndrome. Also called: Hereditary neoplastic syndrome; Tumor predisposition; Neoplastic Syndromes, Hereditary; Hereditary Cancer Syndrome. Identifiers: Orphanet 140162, MedGen C0027672, MeSH D009386, MONDO:0015356.
Lynch syndrome. Identifiers: Orphanet 144, MedGen C4552100, MONDO:0005835. Disease mechanism: loss of function.
Lynch syndrome 5 (LYNCH5). Also called: Hereditary non-polyposis colorectal cancer, type 5; Colorectal cancer, hereditary nonpolyposis, type 5. Identifiers: Orphanet 144, MedGen C1833477, MONDO:0013710, OMIM 614350. Disease mechanism: loss of function.

Allele frequency attached by ClinVar (database versions not stated): gnomAD exomes below 0.00001; TOPMed 0.00001.
gnomAD v4.1: 2 of 1,614,178 alleles (0.00012%); highest among the groups gnomAD compares: Non-Finnish European, 0.00017%; no homozygotes.

Submissions (8):

CeGaT Center for Human Genetics Tuebingen
Classification: Likely benign. Last evaluated: 2026-07-01. Review status: criteria provided, single submitter. Criteria: CeGaT Center For Human Genetics Tuebingen Variant Classification Criteria Version 2. Collection method: clinical testing. Allele origin: germline. Affected: yes. Observed: 2 variant alleles.
Comment: MSH6: BP4

Ambry Genetics
Classification: Uncertain significance for Hereditary cancer-predisposing syndrome. Last evaluated: 2024-09-30. Review status: criteria provided, single submitter. Criteria: Ambry Variant Classification Scheme 2023. Collection method: clinical testing. Allele origin: germline.
Comment: The p.T607R variant (also known as c.1820C>G), located in coding exon 4 of the MSH6 gene, results from a C to G substitution at nucleotide position 1820. The threonine at codon 607 is replaced by arginine, an amino acid with similar properties. This amino acid position is poorly conserved in available vertebrate species. In addition, this alteration is predicted to be tolerated by in silico analysis. Since supporting evidence is limited at this time, the clinical significance of this alteration remains unclear.

Labcorp Genetics (formerly Invitae), Labcorp
Classification: Uncertain significance for Hereditary nonpolyposis colorectal neoplasms. Last evaluated: 2024-08-07. Review status: criteria provided, single submitter. Criteria: Invitae Variant Classification Sherloc (09022015). Collection method: clinical testing. Allele origin: germline.
Comment: This sequence change replaces threonine, which is neutral and polar, with arginine, which is basic and polar, at codon 607 of the MSH6 protein (p.Thr607Arg). This variant is not present in population databases (gnomAD no frequency). This variant has not been reported in the literature in individuals affected with MSH6-related conditions. ClinVar contains an entry for this variant (Variation ID: 184765). Advanced modeling of protein sequence and biophysical properties (such as structural, functional, and spatial information, amino acid conservation, physicochemical variation, residue mobility, and thermodynamic stability) performed at Invitae indicates that this missense variant is not expected to disrupt MSH6 protein function with a negative predictive value of 95%. In summary, the available evidence is currently insufficient to determine the role of this variant in disease. Therefore, it has been classified as a Variant of Uncertain Significance.

Color Diagnostics, LLC DBA Color Health
Classification: Uncertain significance for Hereditary cancer-predisposing syndrome. Last evaluated: 2024-03-06. Review status: criteria provided, single submitter. Criteria: ACMG Guidelines, 2015. Collection method: clinical testing. Allele origin: germline.
Comment: This missense variant replaces threonine with arginine at codon 607 of the MSH6 protein. Computational prediction suggests that this variant may not impact protein structure and function (internally defined REVEL score threshold <= 0.5, PMID: 27666373). To our knowledge, functional studies have not been reported for this variant. This variant has not been reported in individuals affected with MSH6-related disorders in the literature. This variant has not been identified in the general population by the Genome Aggregation Database (gnomAD). The available evidence is insufficient to determine the role of this variant in disease conclusively. Therefore, this variant is classified as a Variant of Uncertain Significance.

All of Us Research Program, National Institutes of Health
Classification: Uncertain significance for Lynch syndrome. Last evaluated: 2023-07-10. Review status: criteria provided, single submitter. Criteria: ACMG Guidelines, 2015. Collection method: clinical testing. Allele origin: germline. Inheritance: Autosomal dominant inheritance. Observed: 1 variant allele, 1 heterozygote.
Comment: This missense variant replaces threonine with arginine at codon 607 of the MSH6 protein. Computational prediction tool suggests that this variant may not impact protein structure and function (internally defined REVEL score threshold <=0.5, PMID: 27666373). Splice site prediction tools suggest that this variant may not impact RNA splicing. To our knowledge, functional studies have not been performed for this variant. This variant has not been reported in individuals affected with hereditary cancer in the literature. This variant has not been identified in the general population by the Genome Aggregation Database (gnomAD). The available evidence is insufficient to determine the role of this variant in disease conclusively. Therefore, this variant is classified as a Variant of Uncertain Significance.

This study involves interpretation of variants in research participants for the purpose of population health screening. Participant phenotype was not available at the time of variant classification. Additional details can be found in publication PMID: 35346344, PMCID: PMC8962531

Myriad Genetics, Inc.
Classification: Uncertain significance for Lynch syndrome 5. Last evaluated: 2023-03-28. Review status: criteria provided, single submitter. Criteria: Myriad Autosomal Dominant, Autosomal Recessive and X-Linked Classification Criteria (2023). Collection method: clinical testing. Allele origin: unknown.
Comment: This variant is classified as a variant of uncertain significance as there is insufficient evidence to determine its impact on protein function and/or cancer risk.

GeneDx
Classification: Uncertain significance. Last evaluated: 2022-04-22. Review status: criteria provided, single submitter. Criteria: GeneDx Variant Classification Process June 2021. Collection method: clinical testing. Allele origin: germline. Affected: yes.
Comment: Not observed at significant frequency in large population cohorts (gnomAD); In silico analysis supports that this missense variant does not alter protein structure/function; Has not been previously published as pathogenic or benign to our knowledge; This variant is associated with the following publications: (PMID: 17531815, 21120944)

Counsyl
Classification: Uncertain significance for Lynch syndrome 5. Last evaluated: 2016-07-28. Review status: no assertion criteria provided. Collection method: clinical testing. Allele origin: unknown. Not counted in ClinVar's aggregate classification.

NM_000179.3(MSH6):c.1820C>G (p.Thr607Arg)

Gene: MSH6 (mutS homolog 6; plus strand). Cytogenetic location: 2p16.3.
Variant type: single nucleotide variant.
Coding change: c.1820C>G on transcript NM_000179.3 (MANE Select); coding-DNA position 1820, C replaced by G.
Protein change: p.Thr607Arg; replaces threonine 607 with arginine.
Molecular consequence: missense variant.
Genome position (GRCh38, 1-based): chr2:47,799,803, C>G. VCF-style: chr2-47799803-C-G. GRCh37 (hg19) VCF-style: chr2-48026942-C-G.
Other names: c.1430C>G, p.Thr477Arg (NM_001281492.2); c.914C>G, p.Thr305Arg (NM_001281493.2, NM_001281494.2); short protein forms T607R, T477R, T305R.
Identifiers: ClinVar variation 184765 (VCV000184765.25), dbSNP rs786201676, ClinGen allele CA009262.